The following is an entry in ClinVar:

NM_001267550.2(TTN):c.106387G>A (p.Gly35463Arg)

Genes: TTN-AS1 (TTN antisense RNA 1; plus strand), TTN (titin; minus strand). Cytogenetic location: 2q31.2.
Variant type: single nucleotide variant.
Coding change: c.106387G>A on transcript NM_001267550.2 (MANE Select); coding-DNA position 106387, G replaced by A.
Protein change: p.Gly35463Arg; replaces glycine 35463 with arginine.
Molecular consequence: missense variant.
Genome position (GRCh38, 1-based): chr2:178,530,104, C>T on the plus strand (G>A on the coding strand, the complement: TTN is on the minus strand). VCF-style: chr2-178530104-C-T. GRCh37 (hg19) VCF-style: chr2-179394831-C-T.
Other names: c.79192G>A, p.Gly26398Arg (NM_003319.4); c.98683G>A, p.Gly32895Arg (NM_133378.4); c.79567G>A, p.Gly26523Arg (NM_133432.3); c.79768G>A, p.Gly26590Arg (NM_133437.4); c.101464G>A, p.Gly33822Arg (NM_001256850.1); short protein forms G26398R, G26523R, G26590R, G32895R, G33822R, G35463R.
Identifiers: ClinVar variation 1004601 (VCV001004601.11), dbSNP rs1474079403, ClinGen allele CA349405587.

ClinVar aggregate classification (germline): Uncertain significance. Review status: criteria provided, multiple submitters, no conflicts (2 of 4 stars). 2 submissions from 2 submitters: Uncertain significance (2). Last evaluated 2025-10-27.

Conditions:
Dilated cardiomyopathy 1G (CMD1G). Identifiers: Orphanet 154, MedGen C1858763, MONDO:0011400, OMIM 604145.
Autosomal recessive limb-girdle muscular dystrophy type 2J (LGMDR10). Also called: Limb-girdle muscular dystrophy, type 2J; MUSCULAR DYSTROPHY, LIMB-GIRDLE, AUTOSOMAL RECESSIVE 10. Identifiers: Orphanet 140922, MedGen C1837342, MONDO:0012127, OMIM 608807.

Allele frequency attached by ClinVar (database versions not stated): TOPMed below 0.00001; gnomAD 0.00001; gnomAD exomes 0.00001.
gnomAD v4.1: 17 of 1,601,434 alleles (0.0011%); highest among the groups gnomAD compares: Non-Finnish European, 0.0014%; no homozygotes.

Submissions (2):

Labcorp Genetics (formerly Invitae), Labcorp
Classification: Uncertain significance for Dilated cardiomyopathy 1G; Autosomal recessive limb-girdle muscular dystrophy type 2J. Last evaluated: 2025-10-27. Review status: criteria provided, single submitter. Criteria: Invitae Variant Classification Sherloc (09022015). Collection method: clinical testing. Allele origin: germline.
Comment: This sequence change replaces glycine, which is neutral and non-polar, with arginine, which is basic and polar, at codon 35463 of the TTN protein (p.Gly35463Arg). This variant is not present in population databases (gnomAD no frequency). This variant has not been reported in the literature in individuals affected with TTN-related conditions. ClinVar contains an entry for this variant (Variation ID: 1004601). Experimental studies and prediction algorithms are not available or were not evaluated, and the functional significance of this variant is currently unknown. Algorithms developed to predict the effect of sequence changes on RNA splicing suggest that this variant may disrupt the consensus splice site. This variant is located in the M band of TTN (PMID: 25589632). Non-truncating variants in this region may be relevant for neuromuscular disorders, but have not been definitively shown to cause cardiomyopathy (PMID: 23975875). In summary, the available evidence is currently insufficient to determine the role of this variant in disease. Therefore, it has been classified as a Variant of Uncertain Significance.

Revvity Omics, Revvity
Classification: Uncertain significance. Last evaluated: 2020-10-05. Review status: criteria provided, single submitter. Criteria: ACMG Guidelines, 2015. Collection method: clinical testing. Allele origin: germline.

Literature cited by the submitters: PubMed 25589632 (cited by Labcorp Genetics (formerly Invitae), Labcorp); PubMed 23975875 (cited by Labcorp Genetics (formerly Invitae), Labcorp).